The following is an entry in ClinVar:

ClinVar aggregate classification (germline): Uncertain significance (1 of 4 stars; one submission).

Conditions:
Inborn genetic diseases. Identifiers: MedGen C0950123, MeSH D030342.

Submission:

Ambry Genetics
Classification: Uncertain significance for Inborn genetic diseases. Last evaluated: 2022-05-13. Review status: criteria provided, single submitter. Criteria: Ambry Variant Classification Scheme 2023. Collection method: clinical testing. Allele origin: germline.
Comment: The p.N545S variant (also known as c.1634A>G), located in coding exon 5 of the BICD2 gene, results from an A to G substitution at nucleotide position 1634. The asparagine at codon 545 is replaced by serine, an amino acid with highly similar properties. This amino acid position is highly conserved in available vertebrate species. In addition, this alteration is predicted to be tolerated by in silico analysis. Since supporting evidence is limited at this time, the clinical significance of this alteration remains unclear.

NM_001003800.2(BICD2):c.1634A>G (p.Asn545Ser)

Gene: BICD2 (BICD cargo adaptor 2; minus strand). Cytogenetic location: 9q22.31.
Variant type: single nucleotide variant.
Coding change: c.1634A>G on transcript NM_001003800.2 (MANE Select); coding-DNA position 1634, A replaced by G.
Protein change: p.Asn545Ser; replaces asparagine 545 with serine.
Molecular consequence: missense variant.
Genome position (GRCh38, 1-based): chr9:92,719,011, T>C on the plus strand (A>G on the coding strand, the complement: BICD2 is on the minus strand). VCF-style: chr9-92719011-T-C. GRCh37 (hg19) VCF-style: chr9-95481293-T-C.
Other names: c.1634A>G, p.Asn545Ser (NM_015250.4); short protein forms N545S.
Identifiers: ClinVar variation 1776888 (VCV001776888.2), dbSNP rs2490444883, ClinGen allele CA374036624.